The following is an entry in ClinVar:

NM_014363.6(SACS):c.1325del (p.Gly442fs)

Gene: SACS (sacsin molecular chaperone; minus strand). Cytogenetic location: 13q12.12.
Variant type: Deletion.
Coding change: c.1325del on transcript NM_014363.6 (MANE Select); coding-DNA position 1325, one base deleted (G; older notation c.1325delG).
Protein change: p.Gly442fs; shifts the reading frame from glycine 442.
Molecular consequence: frameshift variant.
Genome position (GRCh38, 1-based): chr13:23,355,287, C deleted on the plus strand (G on the coding strand, the reverse complement: SACS is on the minus strand); the first of 2 consecutive C bases (chr13:23,355,287-23,355,288); deleting either gives the same sequence. VCF-style (leftmost placement, unchanged base first): chr13-23355286-TC-T. GRCh37 (hg19) VCF-style: chr13-23929425-TC-T.
Other names: c.884del, p.Gly295fs (NM_001278055.2); c.1325del, p.Gly442fs (NM_001437336.1); short protein forms G295fs, G442fs.
Identifiers: ClinVar variation 5013870 (VCV005013870.1).

ClinVar aggregate classification (germline): Pathogenic (1 of 4 stars; one submission).

Conditions:
Charlevoix-Saguenay spastic ataxia (SACS). Also called: AUTOSOMAL RECESSIVE SPASTIC ATAXIA OF CHARLEVOIX-SAGUENAY; Spastic ataxia of Charlevoix-Saguenay; SPASTIC ATAXIA 6, AUTOSOMAL RECESSIVE. Identifiers: Orphanet 98, MedGen C1849140, MONDO:0010041, OMIM 270550.

Submission:

Myriad Genetics, Inc.
Classification: Pathogenic for Charlevoix-Saguenay spastic ataxia. Last evaluated: 2024-12-18. Review status: criteria provided, single submitter. Criteria: Myriad Autosomal Dominant, Autosomal Recessive and X-Linked Classification Criteria (2023). Collection method: clinical testing. Allele origin: unknown.
Comment: NM_014363.4(SACS):c.1325delG(G442Efs*36) is expected to be pathogenic in the context of autosomal recessive spastic ataxia of Charlevoix-Saguenay. This variant is predicted to lead to an abnormal or absent protein product due to the creation of a premature termination codon in SACS, a gene where loss-of-function variants are known to be pathogenic. Please note: this variant was assessed in the context of healthy population screening.